The following is an entry in ClinVar:

NM_012123.4(MTO1):c.128G>T (p.Gly43Val)

Gene: MTO1 (mitochondrial tRNA translation optimization 1; plus strand). Cytogenetic location: 6q13.
Variant type: single nucleotide variant.
Coding change: c.128G>T on transcript NM_012123.4 (MANE Select); coding-DNA position 128, G replaced by T.
Protein change: p.Gly43Val; replaces glycine 43 with valine.
Molecular consequence: missense variant.
Genome position (GRCh38, 1-based): chr6:73,461,982, G>T. VCF-style: chr6-73461982-G-T. GRCh37 (hg19) VCF-style: chr6-74171705-G-T.
Other names: c.128G>T, p.Gly43Val (NM_001123226.2, NM_133645.3); short protein forms G43V.
Identifiers: ClinVar variation 1379659 (VCV001379659.6), dbSNP rs2150024439, ClinGen allele CA364711953.

ClinVar aggregate classification (germline): Uncertain significance (1 of 4 stars; one submission).

Conditions:
Mitochondrial hypertrophic cardiomyopathy with lactic acidosis due to MTO1 deficiency. Also called: Combined oxidative phosphorylation deficiency 10; CARDIOMYOPATHY, INFANTILE HYPERTROPHIC MITOCHONDRIAL, AND LACTIC ACIDOSIS. Identifiers: Orphanet 314637, MedGen C4749921, MONDO:0013865, OMIM 614702.

Submission:

Labcorp Genetics (formerly Invitae), Labcorp
Classification: Uncertain significance for Mitochondrial hypertrophic cardiomyopathy with lactic acidosis due to MTO1 deficiency. Last evaluated: 2021-11-12. Review status: criteria provided, single submitter. Criteria: Invitae Variant Classification Sherloc (09022015). Collection method: clinical testing. Allele origin: germline.
Comment: This variant has not been reported in the literature in individuals affected with MTO1-related conditions. Algorithms developed to predict the effect of missense changes on protein structure and function are either unavailable or do not agree on the potential impact of this missense change (SIFT: "Deleterious"; PolyPhen-2: "Probably Damaging"; Align-GVGD: "Class C0"). In summary, the available evidence is currently insufficient to determine the role of this variant in disease. Therefore, it has been classified as a Variant of Uncertain Significance. This variant is not present in population databases (gnomAD no frequency). This sequence change replaces glycine, which is neutral and non-polar, with valine, which is neutral and non-polar, at codon 43 of the MTO1 protein (p.Gly43Val).